The following is an entry in ClinVar:

ClinVar aggregate classification (germline): Likely benign (1 of 4 stars; one submission).

gnomAD v4.1: 218 of 1,551,614 alleles (0.014%); highest among the groups gnomAD compares: Non-Finnish European, 0.017%; no homozygotes.

Submission:

CeGaT Center for Human Genetics Tuebingen
Classification: Likely benign. Last evaluated: 2026-06-01. Review status: criteria provided, single submitter. Criteria: CeGaT Center For Human Genetics Tuebingen Variant Classification Criteria Version 2. Collection method: clinical testing. Allele origin: germline. Affected: yes. Observed: 1 variant allele.
Comment: COL6A5: BP4

NM_001278298.2(COL6A5):c.5651C>T (p.Thr1884Met)

Gene: COL6A5 (collagen type VI alpha 5 chain; plus strand). Cytogenetic location: 3q22.1.
Variant type: single nucleotide variant.
Coding change: c.5651C>T on transcript NM_001278298.2 (MANE Select); coding-DNA position 5651, C replaced by T.
Protein change: p.Thr1884Met; replaces threonine 1884 with methionine.
Molecular consequence: missense variant. On other transcripts: non-coding transcript variant (1).
Genome position (GRCh38, 1-based): chr3:130,431,867, C>T. VCF-style: chr3-130431867-C-T. GRCh37 (hg19) VCF-style: chr3-130150711-C-T.
Other names: c.5651C>T, p.Thr1884Met (NM_153264.7); short protein forms T1884M.
Identifiers: ClinVar variation 4872422 (VCV004872422.2).